The following is an entry in ClinVar:

ClinVar aggregate classification (germline): Uncertain significance (1 of 4 stars; one submission).

Conditions:
Intellectual developmental disorder, autosomal dominant 1. Also called: MBD5 Haploinsufficiency; Intellectual disability, autosomal dominant 1. Identifiers: Orphanet 228402, MedGen C1969562, MONDO:0007974, OMIM 156200.

Allele frequency attached by ClinVar (database versions not stated): TOPMed 0.00001; gnomAD 0.00001.
gnomAD v4.1: 9 of 1,613,846 alleles (0.00056%); highest among the groups gnomAD compares: African/African-American, 0.0013%; no homozygotes.

Submission:

Labcorp Genetics (formerly Invitae), Labcorp
Classification: Uncertain significance for Intellectual developmental disorder, autosomal dominant 1. Last evaluated: 2023-07-07. Review status: criteria provided, single submitter. Criteria: Invitae Variant Classification Sherloc (09022015). Collection method: clinical testing. Allele origin: germline.
Comment: This sequence change replaces proline, which is neutral and non-polar, with threonine, which is neutral and polar, at codon 663 of the MBD5 protein (p.Pro663Thr). This variant is present in population databases (no rsID available, gnomAD 0.007%). This variant has not been reported in the literature in individuals affected with MBD5-related conditions. ClinVar contains an entry for this variant (Variation ID: 1939377). Advanced modeling of protein sequence and biophysical properties (such as structural, functional, and spatial information, amino acid conservation, physicochemical variation, residue mobility, and thermodynamic stability) performed at Invitae indicates that this missense variant is not expected to disrupt MBD5 protein function. In summary, the available evidence is currently insufficient to determine the role of this variant in disease. Therefore, it has been classified as a Variant of Uncertain Significance.

NM_001378120.1(MBD5):c.1987C>A (p.Pro663Thr)

Gene: MBD5 (methyl-CpG binding domain protein 5; plus strand). Cytogenetic location: 2q23.1.
Variant type: single nucleotide variant.
Coding change: c.1987C>A on transcript NM_001378120.1 (MANE Select); coding-DNA position 1987, C replaced by A.
Protein change: p.Pro663Thr; replaces proline 663 with threonine.
Molecular consequence: missense variant.
Genome position (GRCh38, 1-based): chr2:148,469,930, C>A. VCF-style: chr2-148469930-C-A. GRCh37 (hg19) VCF-style: chr2-149227499-C-A.
Other names: c.1987C>A, p.Pro663Thr (NM_018328.5); short protein forms P663T.
Identifiers: ClinVar variation 1939377 (VCV001939377.4), dbSNP rs1057520996, ClinGen allele CA348720872.